The following is an entry in ClinVar:

NM_001287.6(CLCN7):c.2103G>A (p.Leu701=)

Gene: CLCN7 (Cl-/H+ antiporter 7; minus strand). Cytogenetic location: 16p13.3.
Variant type: single nucleotide variant.
Coding change: c.2103G>A on transcript NM_001287.6 (MANE Select); coding-DNA position 2103, G replaced by A.
Protein change: p.Leu701=; no amino-acid change (leucine 701 retained).
Molecular consequence: synonymous variant.
Genome position (GRCh38, 1-based): chr16:1,447,539, C>T on the plus strand (G>A on the coding strand, the complement: CLCN7 is on the minus strand). VCF-style: chr16-1447539-C-T. GRCh37 (hg19) VCF-style: chr16-1497540-C-T.
Other names: c.2031G>A, p.Leu677= (NM_001114331.3).
Identifiers: ClinVar variation 1478849 (VCV001478849.10), dbSNP rs1000952334, ClinGen allele CA492916666.

ClinVar aggregate classification (germline): Likely benign. Review status: criteria provided, multiple submitters, no conflicts (2 of 4 stars). 2 submissions from 2 submitters: Likely benign (2). Last evaluated 2026-09-01.

Submissions (2):

CeGaT Center for Human Genetics Tuebingen
Classification: Likely benign. Last evaluated: 2026-09-01. Review status: criteria provided, single submitter. Criteria: CeGaT Center For Human Genetics Tuebingen Variant Classification Criteria Version 2. Collection method: clinical testing. Allele origin: germline. Affected: yes. Observed: 2 variant alleles.
Comment: CLCN7: BP4, BP7

Labcorp Genetics (formerly Invitae), Labcorp
Classification: Likely benign. Last evaluated: 2025-05-28. Review status: criteria provided, single submitter. Criteria: Invitae Variant Classification Sherloc (09022015). Collection method: clinical testing. Allele origin: germline.